The following is an entry in ClinVar:

ClinVar aggregate classification (germline): Likely benign (1 of 4 stars; one submission).

Allele frequency attached by ClinVar (database versions not stated): TOPMed 0.00002; gnomAD 0.00005.
gnomAD v4.1: 28 of 1,431,618 alleles (0.002%); highest among the groups gnomAD compares: East Asian, 0.013%; no homozygotes.

Submission:

CeGaT Center for Human Genetics Tuebingen
Classification: Likely benign. Last evaluated: 2024-03-01. Review status: criteria provided, single submitter. Criteria: CeGaT Center For Human Genetics Tuebingen Variant Classification Criteria Version 2. Collection method: clinical testing. Allele origin: germline. Affected: yes. Observed: 1 variant allele.
Comment: ZFHX2: BP4, BP7

NM_033400.3(ZFHX2):c.6711G>A (p.Pro2237=)

Genes: THTPA (thiamine triphosphatase; plus strand), ZFHX2 (zinc finger homeobox 2; minus strand). Cytogenetic location: 14q11.2.
Variant type: single nucleotide variant.
Coding change: c.6711G>A on transcript NM_033400.3 (MANE Select); coding-DNA position 6711, G replaced by A.
Protein change: p.Pro2237=; no amino-acid change (proline 2237 retained).
Molecular consequence: synonymous variant.
Genome position (GRCh38, 1-based): chr14:23,523,231, C>T on the plus strand (G>A on the coding strand, the complement: ZFHX2 is on the minus strand). VCF-style: chr14-23523231-C-T. GRCh37 (hg19) VCF-style: chr14-23992440-C-T.
Identifiers: ClinVar variation 3025524 (VCV003025524.22), dbSNP rs1358422717, ClinGen allele CA485768250.